The following is an entry in ClinVar:

ClinVar aggregate classification (germline): Uncertain significance. Review status: criteria provided, multiple submitters, no conflicts (2 of 4 stars). 2 submissions from 2 submitters: Uncertain significance (2). Last evaluated 2025-10-01.

Conditions:
Primary familial hypertrophic cardiomyopathy (HCM). Identifiers: Orphanet 99739, MedGen C0949658, MeSH D024741, MONDO:0024573. Inheritance: Various modes of inheritance.

Allele frequency attached by ClinVar (database versions not stated): gnomAD 0.00001.
gnomAD v4.1: 3 of 1,614,068 alleles (0.00019%); highest among the groups gnomAD compares: Non-Finnish European, 0.00025%; no homozygotes.

Submissions (2):

Labcorp Genetics (formerly Invitae), Labcorp
Classification: Uncertain significance for Primary familial hypertrophic cardiomyopathy. Last evaluated: 2025-10-01. Review status: criteria provided, single submitter. Criteria: Invitae Variant Classification Sherloc (09022015). Collection method: clinical testing. Allele origin: germline.
Comment: This sequence change replaces serine, which is neutral and polar, with cysteine, which is neutral and slightly polar, at codon 47 of the ILK protein (p.Ser47Cys). This variant is present in population databases (no rsID available, gnomAD no frequency). This variant has not been reported in the literature in individuals affected with ILK-related conditions. ClinVar contains an entry for this variant (Variation ID: 1771983). An algorithm developed to predict the effect of missense changes on protein structure and function (PolyPhen-2) suggests that this variant is likely to be disruptive. In summary, the available evidence is currently insufficient to determine the role of this variant in disease. Therefore, it has been classified as a Variant of Uncertain Significance.

Ambry Genetics
Classification: Uncertain significance. Last evaluated: 2022-01-19. Review status: criteria provided, single submitter. Criteria: Ambry Variant Classification Scheme 2023. Collection method: clinical testing. Allele origin: germline.
Comment: The p.S47C variant (also known as c.140C>G), located in coding exon 2 of the ILK gene, results from a C to G substitution at nucleotide position 140. The serine at codon 47 is replaced by cysteine, an amino acid with dissimilar properties. This amino acid position is conserved. In addition, the in silico prediction for this alteration is inconclusive. Since supporting evidence is limited at this time, the clinical significance of this alteration remains unclear.

NM_004517.4(ILK):c.140C>G (p.Ser47Cys)

Genes: ILK (integrin linked kinase; plus strand), TAF10 (TATA-box binding protein associated factor 10; minus strand). Cytogenetic location: 11p15.4.
Variant type: single nucleotide variant.
Coding change: c.140C>G on transcript NM_004517.4 (MANE Select); coding-DNA position 140, C replaced by G.
Protein change: p.Ser47Cys; replaces serine 47 with cysteine.
Molecular consequence: missense variant. On other transcripts: 3 prime UTR variant (1), intron variant (1).
Genome position (GRCh38, 1-based): chr11:6,608,096, C>G. VCF-style: chr11-6608096-C-G. GRCh37 (hg19) VCF-style: chr11-6629326-C-G.
Other names: c.140C>G, p.Ser47Cys (NM_001014794.3, NM_001014795.3, NM_001278441.2); c.*2826G>C (NM_006284.4); c.-147-298C>G (NM_001278442.2); short protein forms S47C.
Identifiers: ClinVar variation 1771983 (VCV001771983.7), dbSNP rs1359613816, ClinGen allele CA379454617.